The following is an entry in ClinVar:

NM_004655.4(AXIN2):c.2406-5T>G

Gene: AXIN2 (axin 2; minus strand). Cytogenetic location: 17q24.1.
Variant type: single nucleotide variant.
Coding change: c.2406-5T>G on transcript NM_004655.4 (MANE Select); 5 bases into the intron before coding-DNA position 2406, T replaced by G.
Molecular consequence: intron variant.
Genome position (GRCh38, 1-based): chr17:65,530,107, A>C on the plus strand (T>G on the coding strand, the complement: AXIN2 is on the minus strand). VCF-style: chr17-65530107-A-C. GRCh37 (hg19) VCF-style: chr17-63526225-A-C.
Other names: c.2211-5T>G (NM_001363813.1).
Identifiers: ClinVar variation 3814013 (VCV003814013.1).

ClinVar aggregate classification (germline): Uncertain significance (1 of 4 stars; one submission).

Conditions:
Hereditary cancer-predisposing syndrome. Also called: Hereditary neoplastic syndrome; Neoplastic Syndromes, Hereditary; Tumor predisposition; Hereditary Cancer Syndrome. Identifiers: Orphanet 140162, MedGen C0027672, MeSH D009386, MONDO:0015356.

gnomAD v4.1: 2 of 1,614,140 alleles (0.00012%); highest among the groups gnomAD compares: South Asian, 0.0022%; no homozygotes.

Submission:

Ambry Genetics
Classification: Uncertain significance for Hereditary cancer-predisposing syndrome. Last evaluated: 2025-01-27. Review status: criteria provided, single submitter. Criteria: Ambry Variant Classification Scheme 2023. Collection method: clinical testing. Allele origin: germline.
Comment: The c.2406-5T>G intronic variant results from a T to G substitution 5 nucleotides upstream from coding exon 10 in the AXIN2 gene. This nucleotide position is not well conserved in available vertebrate species. In silico splice site analysis predicts that this alteration will not have any significant effect on splicing. Based on the available evidence, the clinical significance of this variant remains unclear.